The following is an entry in ClinVar:

ClinVar aggregate classification (germline): Uncertain significance. Review status: criteria provided, multiple submitters, no conflicts (2 of 4 stars). 4 submissions from 4 submitters: Uncertain significance (4). Last evaluated 2026-01-20.

Conditions:
Hereditary cancer-predisposing syndrome. Also called: Neoplastic Syndromes, Hereditary; Tumor predisposition; Hereditary neoplastic syndrome; Hereditary Cancer Syndrome. Identifiers: Orphanet 140162, MedGen C0027672, MeSH D009386, MONDO:0015356.
Familial cancer of breast. Also called: BREAST CANCER, FAMILIAL; hereditary breast carcinoma; Hereditary breast cancer. Identifiers: Orphanet 227535, MedGen C0346153, MONDO:0016419, OMIM 114480. Disease mechanism: loss of function.

Submissions (4):

Labcorp Genetics (formerly Invitae), Labcorp
Classification: Uncertain significance for Familial cancer of breast. Last evaluated: 2026-01-20. Review status: criteria provided, single submitter. Criteria: Invitae Variant Classification Sherloc (09022015). Collection method: clinical testing. Allele origin: germline.
Comment: This sequence change replaces phenylalanine, which is neutral and non-polar, with cysteine, which is neutral and slightly polar, at codon 737 of the PALB2 protein (p.Phe737Cys). This variant is not present in population databases (gnomAD no frequency). This variant has not been reported in the literature in individuals affected with PALB2-related conditions. ClinVar contains an entry for this variant (Variation ID: 662223). Invitae Evidence Modeling of protein sequence and biophysical properties (such as structural, functional, and spatial information, amino acid conservation, physicochemical variation, residue mobility, and thermodynamic stability) indicates that this missense variant is not expected to disrupt PALB2 protein function with a negative predictive value of 80%. In summary, the available evidence is currently insufficient to determine the role of this variant in disease. Therefore, it has been classified as a Variant of Uncertain Significance.

Ambry Genetics
Classification: Uncertain significance for Hereditary cancer-predisposing syndrome. Last evaluated: 2024-06-21. Review status: criteria provided, single submitter. Criteria: Ambry Variant Classification Scheme 2023. Collection method: clinical testing. Allele origin: germline.
Comment: The p.F737C variant (also known as c.2210T>G), located in coding exon 5 of the PALB2 gene, results from a T to G substitution at nucleotide position 2210. The phenylalanine at codon 737 is replaced by cysteine, an amino acid with highly dissimilar properties. This amino acid position is not well conserved in available vertebrate species. In addition, this alteration is predicted to be tolerated by in silico analysis. Since supporting evidence is limited at this time, the clinical significance of this alteration remains unclear.

GeneDx
Classification: Uncertain significance. Last evaluated: 2024-04-02. Review status: criteria provided, single submitter. Criteria: GeneDx Variant Classification Process June 2021. Collection method: clinical testing. Allele origin: germline. Affected: yes.
Comment: Not observed at significant frequency in large population cohorts (gnomAD); In silico analysis supports that this missense variant has a deleterious effect on protein structure/function; Has not been previously published as pathogenic or benign to our knowledge; This variant is associated with the following publications: (PMID: 22941656)

Baylor Genetics
Classification: Uncertain significance for Familial cancer of breast. Last evaluated: 2023-11-30. Review status: criteria provided, single submitter. Criteria: ACMG Guidelines, 2015. Collection method: clinical testing. Allele origin: unknown.

NM_024675.4(PALB2):c.2210T>G (p.Phe737Cys)

Gene: PALB2 (partner and localizer of BRCA2; minus strand). Cytogenetic location: 16p12.2.
Variant type: single nucleotide variant.
Coding change: c.2210T>G on transcript NM_024675.4 (MANE Select); coding-DNA position 2210, T replaced by G.
Protein change: p.Phe737Cys; replaces phenylalanine 737 with cysteine.
Molecular consequence: missense variant.
Genome position (GRCh38, 1-based): chr16:23,629,944, A>C on the plus strand (T>G on the coding strand, the complement: PALB2 is on the minus strand). VCF-style: chr16-23629944-A-C. GRCh37 (hg19) VCF-style: chr16-23641265-A-C.
Other names: short protein forms F737C.
Identifiers: ClinVar variation 662223 (VCV000662223.17), dbSNP rs1597089763, ClinGen allele CA395125573.